The following is an entry in ClinVar:

NM_001375905.1(SGMS2):c.270C>T (p.Leu90=)

Genes: SGMS2 (sphingomyelin synthase 2; plus strand), CYP2U1-AS1 (CYP2U1 and SGMS2 antisense RNA 1; minus strand). Cytogenetic location: 4q25.
Variant type: single nucleotide variant.
Coding change: c.270C>T on transcript NM_001375905.1 (MANE Select); coding-DNA position 270, C replaced by T.
Protein change: p.Leu90=; no amino-acid change (leucine 90 retained).
Molecular consequence: synonymous variant. On other transcripts: intron variant (1).
Genome position (GRCh38, 1-based): chr4:107,895,823, C>T. VCF-style: chr4-107895823-C-T. GRCh37 (hg19) VCF-style: chr4-108816979-C-T.
Other names: c.270C>T (NM_152621.5, NM_001136258.1); c.270C>T, p.Leu90= (NM_001136257.2, NM_001136258.2, NM_001375906.1 and 4 more transcripts); c.-64-3752C>T (NM_001375911.1).
Identifiers: ClinVar variation 2870243 (VCV002870243.5), dbSNP rs754535984, ClinGen allele CA3036742.

ClinVar aggregate classification (germline): Likely benign. Review status: criteria provided, multiple submitters, no conflicts (2 of 4 stars). 3 submissions from 3 submitters: Likely benign (3). Last evaluated 2025-05-21.

Conditions:
Inborn genetic diseases. Identifiers: MedGen C0950123, MeSH D030342.
SGMS2-related disorder. Also called: SGMS2-related condition.

Allele frequency attached by ClinVar (database versions not stated): ExAC 0.00009.
gnomAD v4.1: 65 of 1,613,812 alleles (0.004%); highest among the groups gnomAD compares: African/African-American, 0.023%; no homozygotes.

Submissions (3):

PreventionGenetics, part of Exact Sciences
Classification: Likely benign for SGMS2-related condition. Last evaluated: 2025-05-21. Review status: criteria provided, single submitter. Criteria: ACMG Guidelines, 2015. Collection method: clinical testing. Allele origin: germline.
Comment: This variant is classified as likely benign based on ACMG/AMP sequence variant interpretation guidelines (Richards et al. 2015 PMID: 25741868, with internal and published modifications).

Labcorp Genetics (formerly Invitae), Labcorp
Classification: Likely benign. Last evaluated: 2025-03-04. Review status: criteria provided, single submitter. Criteria: Invitae Variant Classification Sherloc (09022015). Collection method: clinical testing. Allele origin: germline.

Ambry Genetics
Classification: Likely benign for Inborn genetic diseases. Last evaluated: 2023-12-09. Review status: criteria provided, single submitter. Criteria: Ambry Variant Classification Scheme 2023. Collection method: clinical testing. Allele origin: germline.